The following is an entry in ClinVar:

ClinVar aggregate classification (germline): Likely benign. Review status: criteria provided, multiple submitters, no conflicts (2 of 4 stars). 2 submissions from 2 submitters: Likely benign (2). Last evaluated 2025-08-31.

Conditions:
NEUROD1-related disorder. Also called: NEUROD1-related condition.

Submissions (2):

Labcorp Genetics (formerly Invitae), Labcorp
Classification: Likely benign. Last evaluated: 2025-08-31. Review status: criteria provided, single submitter. Criteria: Invitae Variant Classification Sherloc (09022015). Collection method: clinical testing. Allele origin: germline.

PreventionGenetics, part of Exact Sciences
Classification: Likely benign for NEUROD1-related condition. Last evaluated: 2024-12-05. Review status: criteria provided, single submitter. Criteria: ACMG Guidelines, 2015. Collection method: clinical testing. Allele origin: germline.
Comment: This variant is classified as likely benign based on ACMG/AMP sequence variant interpretation guidelines (Richards et al. 2015 PMID: 25741868, with internal and published modifications).

NM_002500.5(NEUROD1):c.663C>T (p.Tyr221=)

Gene: NEUROD1 (neuronal differentiation 1; minus strand). Cytogenetic location: 2q31.3.
Variant type: single nucleotide variant.
Coding change: c.663C>T on transcript NM_002500.5 (MANE Select); coding-DNA position 663, C replaced by T.
Protein change: p.Tyr221=; no amino-acid change (tyrosine 221 retained).
Molecular consequence: synonymous variant.
Genome position (GRCh38, 1-based): chr2:181,678,198, G>A on the plus strand (C>T on the coding strand, the complement: NEUROD1 is on the minus strand). VCF-style: chr2-181678198-G-A. GRCh37 (hg19) VCF-style: chr2-182542925-G-A.
Other names: c.663C>T (NM_002500.4).
Identifiers: ClinVar variation 4774959 (VCV004774959.2).